The following is an entry in ClinVar:

ClinVar aggregate classification (germline): Pathogenic. Review status: criteria provided, multiple submitters, no conflicts (2 of 4 stars). 2 submissions from 2 submitters: Pathogenic (2). Last evaluated 2025-11-28.

Conditions:
Polyglandular autoimmune syndrome, type 1 (APS1). Also called: Autoimmune polyendocrinopathy syndrome , type I, with or without reversible metaphyseal dysplasia; AUTOIMMUNE POLYENDOCRINE SYNDROME, TYPE I, WITH OR WITHOUT REVERSIBLE METAPHYSEAL DYSPLASIA; APS I; HYPOADRENOCORTICISM WITH HYPOPARATHYROIDISM AND SUPERFICIAL MONILIASIS; PGA I; Autoimmune polyendocrine syndrome type 1. Identifiers: Orphanet 3453, MedGen C0085859, MONDO:0009411, OMIM 240300.

Submissions (2):

Dasa
Classification: Pathogenic. Last evaluated: 2025-11-28. Review status: criteria provided, single submitter. Criteria: DASA Assertion Criteria. Collection method: clinical testing. Allele origin: germline.
Comment: NM_000383.4(AIRE):c.560C>G (p.Ser187*) introduces a premature termination codon predicted to result in loss of normal protein function. Loss-of-function is an established mechanism of disease for this gene. This variant has been reported in an affected individual with related phenotype in a genotype context consistent with recessive disease (PMID: 30287219). The variant is present at low frequency in population datasets. Based on the available data, this variant is classified as pathogenic.

Labcorp Genetics (formerly Invitae), Labcorp
Classification: Pathogenic for Polyglandular autoimmune syndrome, type 1. Last evaluated: 2023-07-10. Review status: criteria provided, single submitter. Criteria: Invitae Variant Classification Sherloc (09022015). Collection method: clinical testing. Allele origin: germline.
Comment: For these reasons, this variant has been classified as Pathogenic. ClinVar contains an entry for this variant (Variation ID: 1074719). This premature translational stop signal has been observed in individual(s) with autosomal recessive autoimmune polyendocrine syndrome type 1 (PMID: 30287219). This variant is not present in population databases (gnomAD no frequency). This sequence change creates a premature translational stop signal (p.Ser187*) in the AIRE gene. It is expected to result in an absent or disrupted protein product. Loss-of-function variants in AIRE are known to be pathogenic (PMID: 11524731, 26141571).

Literature cited by the submitters: PubMed 30287219 (cited by Dasa and Labcorp Genetics (formerly Invitae), Labcorp); PubMed 11524731 (cited by Labcorp Genetics (formerly Invitae), Labcorp); PubMed 26141571 (cited by Labcorp Genetics (formerly Invitae), Labcorp).

NM_000383.4(AIRE):c.560C>G (p.Ser187Ter)

Gene: AIRE (autoimmune regulator; plus strand). Cytogenetic location: 21q22.3.
Variant type: single nucleotide variant.
Coding change: c.560C>G on transcript NM_000383.4 (MANE Select); coding-DNA position 560, C replaced by G.
Protein change: p.Ser187Ter; replaces serine 187 with a stop codon.
Molecular consequence: nonsense.
Genome position (GRCh38, 1-based): chr21:44,288,366, C>G. VCF-style: chr21-44288366-C-G. GRCh37 (hg19) VCF-style: chr21-45708249-C-G.
Other names: short protein forms S187*.
Identifiers: ClinVar variation 1074719 (VCV001074719.10), dbSNP rs143952576, ClinGen allele CA410424104.
Genomic context (GRCh38, chr21:44,288,366, plus strand): 5'-TTCCCCACGGGTGACCCCAATGGGTGTTCCCTTTCCCAGGGATTCAGACCATGTCAGCTT[C>G]AGTCCAGAGAGCTGTGGCCATGTCCTCCGGGGACGTCCCGGGAGCCCGAGGGGCCGTGGA-3'